The following is an entry in ClinVar:

NM_004667.6(HERC2):c.14195C>T (p.Thr4732Ile)

Gene: HERC2 (HECT and RLD domain containing E3 ubiquitin protein ligase 2; minus strand). Cytogenetic location: 15q13.1.
Variant type: single nucleotide variant.
Coding change: c.14195C>T on transcript NM_004667.6 (MANE Select); coding-DNA position 14195, C replaced by T.
Protein change: p.Thr4732Ile; replaces threonine 4732 with isoleucine.
Molecular consequence: missense variant.
Genome position (GRCh38, 1-based): chr15:28,113,108, G>A on the plus strand (C>T on the coding strand, the complement: HERC2 is on the minus strand). VCF-style: chr15-28113108-G-A. GRCh37 (hg19) VCF-style: chr15-28358254-G-A.
Other names: short protein forms T4732I.
Identifiers: ClinVar variation 1203646 (VCV001203646.3), dbSNP rs2142032442, ClinGen allele CA391368352.
Genomic context (GRCh38, chr15:28,113,108, plus strand): 5'-GGCAAGCCCAGCCAGGAGCCTACCTGGATGACGAAGTCTCGGCCCCGGAAGTCGGCGATG[G>A]TCCTGGGCAGCCTCGTCCGGCCCCAGACGAAGCGAAGGAAAAGAGAGCGCTCTGTGTTGG-3'
Protein context (NP_004658.3, residues 4722-4742): FVWGRTRLPR[Thr4732Ile]IADFRGRDFV

ClinVar aggregate classification (germline): Uncertain significance (1 of 4 stars; one submission).

gnomAD v4.1: 1 of 1,613,806 alleles (0.000062%); highest among the groups gnomAD compares: Non-Finnish European, 0.000085%; no homozygotes.

Submission:

GeneDx
Classification: Uncertain significance. Last evaluated: 2019-11-01. Review status: criteria provided, single submitter. Criteria: GeneDx Variant Classification Process June 2021. Collection method: clinical testing. Allele origin: germline. Affected: yes.
Comment: Not observed in large population cohorts (Lek et al., 2016); In silico analysis, which includes protein predictors and evolutionary conservation, supports a deleterious effect; Has not been previously published as pathogenic or benign to our knowledge